The following is an entry in ClinVar:

NM_145239.3(PRRT2):c.764G>A (p.Gly255Glu)

Genes: MVP-DT (MVP divergent transcript; minus strand), PRRT2 (proline rich transmembrane protein 2; plus strand). Cytogenetic location: 16p11.2.
Variant type: single nucleotide variant.
Coding change: c.764G>A on transcript NM_145239.3 (MANE Select); coding-DNA position 764, G replaced by A.
Protein change: p.Gly255Glu; replaces glycine 255 with glutamic acid.
Molecular consequence: missense variant.
Genome position (GRCh38, 1-based): chr16:29,813,818, G>A. VCF-style: chr16-29813818-G-A. GRCh37 (hg19) VCF-style: chr16-29825139-G-A.
Other names: c.764G>A, p.Gly255Glu (NM_001256442.2, NM_001256443.2); short protein forms G255E.
Identifiers: ClinVar variation 938565 (VCV000938565.11), dbSNP rs913445669, ClinGen allele CA280410276.

ClinVar aggregate classification (germline): Uncertain significance. Review status: criteria provided, multiple submitters, no conflicts (2 of 4 stars). 2 submissions from 2 submitters: Uncertain significance (2). Last evaluated 2026-02-16.

Conditions:
Episodic kinesigenic dyskinesia (EKD). Also called: Paroxysmal kinesigenic dyskinesia. Identifiers: Orphanet 98809, MedGen C1868682, MONDO:0044202.
Inborn genetic diseases. Identifiers: MedGen C0950123, MeSH D030342.

Allele frequency attached by ClinVar (database versions not stated): gnomAD exomes below 0.00001 and 0.00001; TOPMed 0.00001.

Submissions (2):

Ambry Genetics
Classification: Uncertain significance for Inborn genetic diseases. Last evaluated: 2026-02-16. Review status: criteria provided, single submitter. Criteria: Ambry Variant Classification Scheme 2023. Collection method: clinical testing. Allele origin: germline.
Comment: The c.764G>A (p.G255E) alteration is located in exon 2 (coding exon 1) of the PRRT2 gene. This alteration results from a G to A substitution at nucleotide position 764, causing the glycine (G) at amino acid position 255 to be replaced by a glutamic acid (E). Based on data from gnomAD, the A allele has an overall frequency of <0.001% (1/250218) total alleles studied. The highest observed frequency was 0.003% (1/30538) of South Asian alleles. Based on insufficient or conflicting evidence, the clinical significance of this alteration remains unclear.

Labcorp Genetics (formerly Invitae), Labcorp
Classification: Uncertain significance for Episodic kinesigenic dyskinesia. Last evaluated: 2023-12-11. Review status: criteria provided, single submitter. Criteria: Invitae Variant Classification Sherloc (09022015). Collection method: clinical testing. Allele origin: germline.
Comment: This sequence change replaces glycine, which is neutral and non-polar, with glutamic acid, which is acidic and polar, at codon 255 of the PRRT2 protein (p.Gly255Glu). The frequency data for this variant in the population databases is considered unreliable, as metrics indicate poor data quality at this position in the gnomAD database. This variant has not been reported in the literature in individuals affected with PRRT2-related conditions. ClinVar contains an entry for this variant (Variation ID: 938565). Advanced modeling of protein sequence and biophysical properties (such as structural, functional, and spatial information, amino acid conservation, physicochemical variation, residue mobility, and thermodynamic stability) performed at Invitae indicates that this missense variant is not expected to disrupt PRRT2 protein function with a negative predictive value of 95%. In summary, the available evidence is currently insufficient to determine the role of this variant in disease. Therefore, it has been classified as a Variant of Uncertain Significance.